The following is an entry in ClinVar:

ClinVar aggregate classification (germline): Uncertain significance (1 of 4 stars; one submission).

Conditions:
Ehlers-Danlos syndrome, classic type, 2 (EDSCL2). Also called: Ehlers-Danlos syndrome, type 2; Ehlers-Danlos syndrome type 2 (formerly); Ehlers-Danlos Syndrome, Classic Type, COL5A2-Related. Identifiers: Orphanet 287, Orphanet 90318, MedGen C0268336, MONDO:0019568, OMIM 130010.

Submission:

Centre for Mendelian Genomics, University Medical Centre Ljubljana
Classification: Uncertain significance for Ehlers-Danlos syndrome, classic type, 2. Last evaluated: 2016-01-01. Review status: criteria provided, single submitter. Criteria: ACMG Guidelines, 2015. Collection method: clinical testing. Allele origin: unknown. Affected: yes.
Comment: This variant was classified as: Uncertain significance. The following ACMG criteria were applied in classifying this variant: PM1,PM2.

NM_000093.5(COL5A1):c.808G>A (p.Gly270Ser)

Gene: COL5A1 (collagen type V alpha 1 chain; plus strand). Cytogenetic location: 9q34.3.
Variant type: single nucleotide variant.
Coding change: c.808G>A on transcript NM_000093.5 (MANE Select); coding-DNA position 808, G replaced by A.
Protein change: p.Gly270Ser; replaces glycine 270 with serine.
Molecular consequence: missense variant.
Genome position (GRCh38, 1-based): chr9:134,728,691, G>A. VCF-style: chr9-134728691-G-A. GRCh37 (hg19) VCF-style: chr9-137620537-G-A.
Other names: c.808G>A, p.Gly270Ser (NM_001278074.1); short protein forms G270S.
Identifiers: ClinVar variation 931023 (VCV000931023.3), dbSNP rs1834748686, ClinGen allele CA375446839.